The following is an entry in ClinVar:

NM_000548.5(TSC2):c.3132-16G>A

Gene: TSC2 (TSC complex subunit 2; plus strand). Cytogenetic location: 16p13.3.
Variant type: single nucleotide variant.
Coding change: c.3132-16G>A on transcript NM_000548.5 (MANE Select); 16 bases into the intron before coding-DNA position 3132, G replaced by A.
Molecular consequence: intron variant.
Genome position (GRCh38, 1-based): chr16:2,079,260, G>A. VCF-style: chr16-2079260-G-A. GRCh37 (hg19) VCF-style: chr16-2129261-G-A.
Other names: c.3132-16G>A (NM_001114382.3); c.3003-16G>A (NM_021055.3, NM_001370405.1, NM_001363528.2); c.3000-16G>A (NM_001370404.1, NM_001077183.3); c.2892-16G>A (NM_001318827.2); c.2400-16G>A (NM_001318831.2); c.2856-16G>A (NM_001318829.2); c.3033-16G>A (NM_001318832.2).
Identifiers: ClinVar variation 65317 (VCV000065317.11), dbSNP rs199572528, ClinGen allele CA018612.

ClinVar aggregate classification (germline): Benign/Likely benign. Review status: criteria provided, multiple submitters, no conflicts (2 of 4 stars). 3 submissions from 3 submitters: Benign (1); Likely benign (1). 1 of the submissions does not count toward it. Last evaluated 2026-02-03.

Conditions:
Tuberous sclerosis 2 (TSC2). Identifiers: Orphanet 805, MedGen C1860707, MONDO:0013199, OMIM 613254.
Tuberous sclerosis syndrome (TSC). Also called: Tuberous Sclerosis Complex; Tuberous sclerosis. Identifiers: Orphanet 805, MedGen C0041341, MONDO:0001734.

Allele frequency attached by ClinVar (database versions not stated): gnomAD 0.00003 and 0.00006; gnomAD exomes 0.00003 and 0.00007; ExAC 0.00004; TOPMed 0.00005; 1000 Genomes Project 30x 0.00062; 1000 Genomes Project 0.00080.
gnomAD v4.1: 52 of 1,612,972 alleles (0.0032%); highest among the groups gnomAD compares: East Asian, 0.029%; no homozygotes.

Submissions (3):

Labcorp Genetics (formerly Invitae), Labcorp
Classification: Likely benign for Tuberous sclerosis 2. Last evaluated: 2026-02-03. Review status: criteria provided, single submitter. Criteria: Invitae Variant Classification Sherloc (09022015). Collection method: clinical testing. Allele origin: germline.

Myriad Genetics, Inc.
Classification: Benign for Tuberous sclerosis 2. Last evaluated: 2024-09-09. Review status: criteria provided, single submitter. Criteria: Myriad Autosomal Dominant, Autosomal Recessive and X-Linked Classification Criteria (2023). Collection method: clinical testing. Allele origin: unknown.
Comment: This variant is considered benign. This variant is intronic and is not expected to impact mRNA splicing. This variant has been observed at a population frequency that is significantly greater than expected given the associated disease prevalence and penetrance.

Tuberous sclerosis database (TSC2)
No classification provided. Condition: TSC. Review status: no classification provided. Criteria: Tuberous Sclerosis Database Assertion Criteria 2015. Collection method: curation. Allele origin: germline. Affected: yes. Not counted in ClinVar's aggregate classification.